The following is an entry in ClinVar:

NM_005033.3(EXOSC9):c.523-2A>G

Gene: EXOSC9 (exosome component 9; plus strand). Cytogenetic location: 4q27.
Variant type: single nucleotide variant.
Coding change: c.523-2A>G on transcript NM_005033.3 (MANE Select); the canonical splice acceptor site of the intron before coding-DNA position 523, A replaced by G.
Molecular consequence: splice acceptor variant.
Genome position (GRCh38, 1-based): chr4:121,807,538, A>G. VCF-style: chr4-121807538-A-G. GRCh37 (hg19) VCF-style: chr4-122728693-A-G.
Other names: c.523-2A>G (NM_001034194.2).
Identifiers: ClinVar variation 2130665 (VCV002130665.4), dbSNP rs753149983, ClinGen allele CA3063441.

ClinVar aggregate classification (germline): Likely pathogenic (1 of 4 stars; one submission).

Allele frequency attached by ClinVar (database versions not stated): gnomAD exomes below 0.00001; ExAC 0.00002.
gnomAD v4.1: 7 of 1,577,056 alleles (0.00044%); highest among the groups gnomAD compares: South Asian, 0.0081%; no homozygotes.

Submission:

Labcorp Genetics (formerly Invitae), Labcorp
Classification: Likely pathogenic. Last evaluated: 2023-07-21. Review status: criteria provided, single submitter. Criteria: Invitae Variant Classification Sherloc (09022015). Collection method: clinical testing. Allele origin: germline.
Comment: This sequence change affects an acceptor splice site in intron 5 of the EXOSC9 gene. It is expected to disrupt RNA splicing. Variants that disrupt the donor or acceptor splice site typically lead to a loss of protein function (PMID: 16199547), and loss-of-function variants in EXOSC9 are known to be pathogenic (PMID: 29727687, 33040083). This variant is present in population databases (rs753149983, gnomAD 0.007%). This variant has not been reported in the literature in individuals affected with EXOSC9-related conditions. ClinVar contains an entry for this variant (Variation ID: 2130665). Algorithms developed to predict the effect of sequence changes on RNA splicing suggest that this variant may disrupt the consensus splice site. In summary, the currently available evidence indicates that the variant is pathogenic, but additional data are needed to prove that conclusively. Therefore, this variant has been classified as Likely Pathogenic.

Literature cited by the submitters: PubMed 16199547; PubMed 29727687; PubMed 33040083.